The following is an entry in ClinVar:

ClinVar aggregate classification (germline): Uncertain significance. Review status: criteria provided, multiple submitters, no conflicts (2 of 4 stars). 2 submissions from 2 submitters: Uncertain significance (2). Last evaluated 2023-08-17.

Conditions:
Adenylosuccinate lyase deficiency (ADSLD). Also called: ADSL DEFICIENCY. Identifiers: Orphanet 46, MedGen C0268126, MONDO:0007068, OMIM 103050.

Allele frequency attached by ClinVar (database versions not stated): TOPMed below 0.00001.

Submissions (2):

Labcorp Genetics (formerly Invitae), Labcorp
Classification: Uncertain significance for Adenylosuccinate lyase deficiency. Last evaluated: 2023-08-17. Review status: criteria provided, single submitter. Criteria: Invitae Variant Classification Sherloc (09022015). Collection method: clinical testing. Allele origin: germline.
Comment: This sequence change replaces lysine, which is basic and polar, with isoleucine, which is neutral and non-polar, at codon 66 of the ADSL protein (p.Lys66Ile). In summary, the available evidence is currently insufficient to determine the role of this variant in disease. Therefore, it has been classified as a Variant of Uncertain Significance. Advanced modeling of protein sequence and biophysical properties (such as structural, functional, and spatial information, amino acid conservation, physicochemical variation, residue mobility, and thermodynamic stability) performed at Invitae indicates that this missense variant is not expected to disrupt ADSL protein function. ClinVar contains an entry for this variant (Variation ID: 204805). This variant has not been reported in the literature in individuals affected with ADSL-related conditions. This variant is not present in population databases (gnomAD no frequency).

GeneDx
Classification: Uncertain significance. Last evaluated: 2013-07-19. Review status: criteria provided, single submitter. Criteria: GeneDx Variant Classification (06012015). Collection method: clinical testing. Allele origin: germline. Affected: yes.
Comment: p.Lys66Ile (AAA>ATA): c.197 A>T in exon 2 of the ADSL gene (NM_000026.2) The Lys66Ile missense change has not been published as a mutation, nor has it been reported as a benign polymorphism to our knowledge. It was not observed in approximately 6,500 individuals of European and African American ancestry in the NHLBI Exome Sequencing Project, indicating it is not a common benign variant in these populations. This variant is a non-conservative amino acid substitution of a positively charged Lysine residue with an uncharged, non-polar Isoleucine residue. It alters a position that is not conserved across species. In silico analysis is inconsistent with regard to the effect this variant may have on the protein structure/function. Therefore, based on the currently available information, it is unclear whether Lys66Ile is a disease-causing mutation or a rare benign variant. The variant is found in INFANT-EPI panel(s).

NM_000026.4(ADSL):c.197A>T (p.Lys66Ile)

Gene: ADSL (adenylosuccinate lyase; plus strand). Cytogenetic location: 22q13.1.
Variant type: single nucleotide variant.
Coding change: c.197A>T on transcript NM_000026.4 (MANE Select); coding-DNA position 197, A replaced by T.
Protein change: p.Lys66Ile; replaces lysine 66 with isoleucine.
Molecular consequence: missense variant. On other transcripts: non-coding transcript variant (1).
Genome position (GRCh38, 1-based): chr22:40,349,875, A>T. VCF-style: chr22-40349875-A-T. GRCh37 (hg19) VCF-style: chr22-40745879-A-T.
Other names: p.K66I:AAA>ATA; c.197A>T, p.Lys66Ile (NM_001123378.3, NM_001363840.3); c.5A>T, p.Lys2Ile (NM_001317923.2); short protein forms K66I, K2I.
Identifiers: ClinVar variation 204805 (VCV000204805.4), dbSNP rs796052251, ClinGen allele CA313127.